The following is an entry in ClinVar:

NM_001164508.2(NEB):c.24275A>G (p.Lys8092Arg)

Genes: NEB (nebulin; minus strand), RIF1 (replication timing regulatory factor 1; plus strand). Cytogenetic location: 2q23.3.
Variant type: single nucleotide variant.
Coding change: c.24275A>G on transcript NM_001164508.2 (MANE Select); coding-DNA position 24275, A replaced by G.
Protein change: p.Lys8092Arg; replaces lysine 8092 with arginine.
Molecular consequence: missense variant. On other transcripts: intron variant (1).
Genome position (GRCh38, 1-based): chr2:151,497,651, T>C on the plus strand (A>G on the coding strand, the complement: NEB is on the minus strand). VCF-style: chr2-151497651-T-C. GRCh37 (hg19) VCF-style: chr2-152354165-T-C.
Other names: c.24275A>G, p.Lys8092Arg (NM_001164507.2); c.24380A>G, p.Lys8127Arg (NM_001271208.2); c.18826-1283A>G (NM_004543.5); short protein forms K8092R, K8127R.
Identifiers: ClinVar variation 853831 (VCV000853831.8), dbSNP rs200761405, ClinGen allele CA1906111.

ClinVar aggregate classification (germline): Uncertain significance. Review status: criteria provided, single submitter (1 of 4 stars). 2 submissions from 2 submitters: Uncertain significance (1). 1 of the submissions does not count toward it. Last evaluated 2021-08-13.

Conditions:
Nemaline myopathy 2 (NEM2). Also called: Nemaline myopathy 2, autosomal recessive. Identifiers: MedGen C1850569, MONDO:0009725, OMIM 256030.

Allele frequency attached by ClinVar (database versions not stated): TOPMed 0.00002; gnomAD 0.00003 and 0.00005; gnomAD exomes 0.00005 and 0.00010; 1000 Genomes Project 30x 0.00016; ExAC 0.00018; 1000 Genomes Project 0.00020.
gnomAD v4.1: 151 of 1,582,492 alleles (0.0095%); highest among the groups gnomAD compares: East Asian, 0.34%; 1 homozygote.

Submissions (2):

Labcorp Genetics (formerly Invitae), Labcorp
Classification: Uncertain significance for Nemaline myopathy 2. Last evaluated: 2021-08-13. Review status: criteria provided, single submitter. Criteria: Invitae Variant Classification Sherloc (09022015). Collection method: clinical testing. Allele origin: germline.
Comment: This sequence change replaces lysine with arginine at codon 8127 of the NEB protein (p.Lys8127Arg). The lysine residue is weakly conserved and there is a small physicochemical difference between lysine and arginine. This variant is present in population databases (rs200761405, ExAC 0.3%). This variant has not been reported in the literature in individuals affected with NEB-related conditions. Algorithms developed to predict the effect of missense changes on protein structure and function are either unavailable or do not agree on the potential impact of this missense change (SIFT: "Deleterious"; PolyPhen-2: "Not Available"; Align-GVGD: "Class C0"). In summary, the available evidence is currently insufficient to determine the role of this variant in disease. Therefore, it has been classified as a Variant of Uncertain Significance.

Natera, Inc.
Classification: Uncertain significance for Nemaline myopathy type 2. Last evaluated: 2020-01-24. Review status: no assertion criteria provided. Collection method: clinical testing. Allele origin: germline. Not counted in ClinVar's aggregate classification.